The following is an entry in ClinVar:

ClinVar aggregate classification (germline): Pathogenic. Review status: criteria provided, multiple submitters, no conflicts (2 of 4 stars). 3 submissions from 3 submitters: Pathogenic (3). Last evaluated 2024-05-19.

Conditions:
Familial cancer of breast. Also called: Hereditary breast cancer; hereditary breast carcinoma; BREAST CANCER, FAMILIAL. Identifiers: Orphanet 227535, MedGen C0346153, MONDO:0016419, OMIM 114480. Disease mechanism: loss of function.
Hereditary cancer-predisposing syndrome. Also called: Hereditary neoplastic syndrome; Neoplastic Syndromes, Hereditary; Tumor predisposition; Hereditary Cancer Syndrome. Identifiers: Orphanet 140162, MedGen C0027672, MeSH D009386, MONDO:0015356.

Submissions (3):

Labcorp Genetics (formerly Invitae), Labcorp
Classification: Pathogenic for Familial cancer of breast. Last evaluated: 2024-05-19. Review status: criteria provided, single submitter. Criteria: Invitae Variant Classification Sherloc (09022015). Collection method: clinical testing. Allele origin: germline.
Comment: This sequence change creates a premature translational stop signal (p.Leu467Trpfs*2) in the CHEK2 gene. It is expected to result in an absent or disrupted protein product. Loss-of-function variants in CHEK2 are known to be pathogenic (PMID: 21876083, 24713400). This variant is not present in population databases (gnomAD no frequency). This variant has not been reported in the literature in individuals affected with CHEK2-related conditions. ClinVar contains an entry for this variant (Variation ID: 946923). For these reasons, this variant has been classified as Pathogenic.

Ambry Genetics
Classification: Pathogenic for Hereditary cancer-predisposing syndrome. Last evaluated: 2023-12-29. Review status: criteria provided, single submitter. Criteria: Ambry Variant Classification Scheme 2023. Collection method: clinical testing. Allele origin: germline.
Comment: The c.1400delT pathogenic mutation, located in coding exon 12 of the CHEK2 gene, results from a deletion of one nucleotide at nucleotide position 1400, causing a translational frameshift with a predicted alternate stop codon (p.L467Wfs*2). This variant is considered to be rare based on population cohorts in the Genome Aggregation Database (gnomAD). This alteration is expected to result in loss of function by premature protein truncation or nonsense-mediated mRNA decay. As such, this alteration is interpreted as a disease-causing mutation.

Myriad Genetics, Inc.
Classification: Pathogenic for Familial cancer of breast. Last evaluated: 2023-06-28. Review status: criteria provided, single submitter. Criteria: Myriad Autosomal Dominant, Autosomal Recessive and X-Linked Classification Criteria (2023). Collection method: clinical testing. Allele origin: unknown.
Comment: This variant is considered pathogenic. This variant creates a frameshift predicted to result in premature protein truncation.

Literature cited by the submitters: PubMed 21876083 (cited by Labcorp Genetics (formerly Invitae), Labcorp); PubMed 24713400 (cited by Labcorp Genetics (formerly Invitae), Labcorp).

NM_007194.4(CHEK2):c.1400del (p.Leu467fs)

Gene: CHEK2 (checkpoint kinase 2; minus strand). Cytogenetic location: 22q12.1.
Variant type: Deletion.
Coding change: c.1400del on transcript NM_007194.4 (MANE Select); coding-DNA position 1400, one base deleted (T; older notation c.1400delT).
Protein change: p.Leu467fs; shifts the reading frame from leucine 467.
Molecular consequence: frameshift variant.
Genome position (GRCh38, 1-based): chr22:28,694,093, A deleted on the plus strand (T on the coding strand, the reverse complement: CHEK2 is on the minus strand); the first of 2 consecutive A bases (chr22:28,694,093-28,694,094); deleting either gives the same sequence. VCF-style (leftmost placement, unchanged base first): chr22-28694092-CA-C. GRCh37 (hg19) VCF-style: chr22-29090080-CA-C.
Other names: c.1400delT (NM_007194.3); c.1528delT, p.Leu510Trpfs (NM_001005735.3); c.736delT, p.Leu246Trpfs (NM_001257387.3); c.1198delT, p.Leu400Trpfs (NM_001349956.3); c.1312delT, p.Leu438Trpfs (NM_145862.3); short protein forms L400fs, L438fs, L246fs, L510fs, L467fs.
Identifiers: ClinVar variation 946923 (VCV000946923.11), dbSNP rs2052472184, ClinGen allele CA1139667015.
Genomic context (GRCh38, chr22:28,694,092, plus strand): 5'-CTGAAGCCACGGGTGTCTTAAGGCTTCTTCTGTCGTAAAACGTGCCTTTGGATCCACTAC[CA>C]ACAACTTCTTGACAAGGTCCAGAGCTAAAGCAACAATTGGGCAAATCACAGTGAAAAGGA-3'